The following is an entry in ClinVar:

NM_024312.5(GNPTAB):c.3214CCA[1] (p.Pro1073del)

Gene: GNPTAB (N-acetylglucosamine-1-phosphate transferase subunits alpha and beta; minus strand). Cytogenetic location: 12q23.2.
Variant type: Microsatellite.
Coding change: c.3214CCA[1] on transcript NM_024312.5 (MANE Select); one copy of the 3-base unit CCA starting at c.3214; the reference has two copies in a row; one copy, 3 bases deleted.
Protein change: p.Pro1073del; deletes proline 1073.
Molecular consequence: inframe deletion.
Genome position (GRCh38, 1-based): chr12:101,760,060-101,760,062, TGG deleted on the plus strand (CCA on the coding strand, the reverse complement: GNPTAB is on the minus strand); deleting any 3 consecutive bases within chr12:101,760,060-101,760,065 gives the same sequence; the position shown is the placement nearest the transcript's 3' end. VCF-style (leftmost placement, unchanged base first): chr12-101760059-TTGG-T. GRCh37 (hg19) VCF-style: chr12-102153837-TTGG-T.
Other names: short protein forms P1073del.
Identifiers: ClinVar variation 1440381 (VCV001440381.5), dbSNP rs1416737240, ClinGen allele CA607153318.
Genomic context (GRCh38, chr12:101,760,059, plus strand): 5'-GTTGTACATAAAAGTAACCCATTCCACTTACCAGGTTGGGATCATAGTAGGATTCCTGAG[TTGG>T]TGGAATATTATTTAGCTGCGTGATATCAGCAGGAAGCATTTTTGAGCAATTTATTAGCAT-3'

ClinVar aggregate classification (germline): Uncertain significance (1 of 4 stars; one submission).

Conditions:
Pseudo-Hurler polydystrophy. Also called: ML III; ML III ALPHA/BETA; MUCOLIPIDOSIS IIIA; Type III Mucolipidosis; ML IIIA; Mucolipidosis III Alpha/Beta. Identifiers: Orphanet 423461, Orphanet 577, MedGen C0033788, MONDO:0018931, OMIM 252600.
Mucolipidosis type II. Also called: ML II ALPHA/BETA; Mucolipidosis 2; ML 2; Inclusion cell disease; Leroy Disease; N-acetylglucosamine 1phosphotransferase deficiency. Identifiers: Orphanet 576, MedGen C2673377, MONDO:0009650, OMIM 252500.

Submission:

Labcorp Genetics (formerly Invitae), Labcorp
Classification: Uncertain significance for Pseudo-Hurler polydystrophy; Mucolipidosis type II. Last evaluated: 2022-07-12. Review status: criteria provided, single submitter. Criteria: Invitae Variant Classification Sherloc (09022015). Collection method: clinical testing. Allele origin: germline.
Comment: This variant, c.3217_3219del, results in the deletion of 1 amino acid(s) of the GNPTAB protein (p.Pro1073del), but otherwise preserves the integrity of the reading frame. This variant is present in population databases (no rsID available, gnomAD 0.003%). This variant has not been reported in the literature in individuals affected with GNPTAB-related conditions. Experimental studies and prediction algorithms are not available or were not evaluated, and the functional significance of this variant is currently unknown. In summary, the available evidence is currently insufficient to determine the role of this variant in disease. Therefore, it has been classified as a Variant of Uncertain Significance.